The following is an entry in ClinVar:

NM_024306.5(FA2H):c.704dup (p.Phe236fs)

Gene: FA2H (fatty acid 2-hydroxylase; minus strand). Cytogenetic location: 16q23.1.
Variant type: Duplication.
Coding change: c.704dup on transcript NM_024306.5 (MANE Select); coding-DNA position 704, one base duplicated (G; older notation c.704dupG).
Protein change: p.Phe236fs; shifts the reading frame from phenylalanine 236.
Molecular consequence: frameshift variant.
Genome position (GRCh38, 1-based): chr16:74,719,070, C duplicated on the plus strand (G on the coding strand, the reverse complement: FA2H is on the minus strand). VCF-style (leftmost placement, unchanged base first): chr16-74719069-G-GC. GRCh37 (hg19) VCF-style: chr16-74752967-G-GC.
Other names: short protein forms F236fs.
Identifiers: ClinVar variation 4537463 (VCV004537463.1).
Genomic context (GRCh38, chr16:74,719,069, plus strand): 5'-GACGAAGTGCAGCATGATGAGGTAATAGCTGTCGCTGGGGGGCTTCATGTGGAACAGGAA[G>GC]CGGTGGATGAGGTACTCGATGAGGCTCCAGAGGAATGTCCCCAGCATGAAGAGCCCGGGG-3'

ClinVar aggregate classification (germline): Likely pathogenic (1 of 4 stars; one submission).

Conditions:
Hereditary spastic paraplegia 35. Also called: LEUKODYSTROPHY, DYSMYELINATING, AND SPASTIC PARAPARESIS WITH OR WITHOUT DYSTONIA; Spastic paraplegia 35, autosomal recessive; Spastic paraplegia 35; SPASTIC PARAPLEGIA 35, AUTOSOMAL RECESSIVE, WITH OR WITHOUT NEURODEGENERATION. Identifiers: Orphanet 171629, MedGen C3496228, MONDO:0012866, OMIM 612319.

Submission:

Genetic Foundation of Khorasan Razavi (GFKR)
Classification: Likely pathogenic for Hereditary spastic paraplegia 35. Last evaluated: 2024-12-12. Review status: criteria provided, single submitter. Criteria: ACMG Guidelines, 2015. Collection method: clinical testing. Allele origin: inherited. Affected: yes. Observed: 1 homozygote.
Comment: This variant(p.Phe236Leufs*77 ) is expected to result in nonsense-mediated decay or a severely truncated protein. Loss of function is a well-established disease mechanism for this gene. The variant is very rare from population databases, consistent with the rarity expected for a pathogenic allele.

Literature cited by the submitters: PubMed 31135052.